The following is an entry in ClinVar:

NM_014000.3(VCL):c.731T>A (p.Ile244Lys)

Gene: VCL (vinculin; plus strand). Cytogenetic location: 10q22.2.
Variant type: single nucleotide variant.
Coding change: c.731T>A on transcript NM_014000.3 (MANE Select); coding-DNA position 731, T replaced by A.
Protein change: p.Ile244Lys; replaces isoleucine 244 with lysine.
Molecular consequence: missense variant.
Genome position (GRCh38, 1-based): chr10:74,074,851, T>A. VCF-style: chr10-74074851-T-A. GRCh37 (hg19) VCF-style: chr10-75834609-T-A.
Other names: c.731T>A, p.Ile244Lys (NM_003373.4); short protein forms I244K.
Identifiers: ClinVar variation 263474 (VCV000263474.3), dbSNP rs886038819, ClinGen allele CA10587703.

ClinVar aggregate classification (germline): Uncertain significance (1 of 4 stars; one submission).

Conditions:
Cardiovascular phenotype. Identifiers: MedGen CN230736.

Allele frequency attached by ClinVar (database versions not stated): gnomAD exomes below 0.00001.
gnomAD v4.1: 1 of 1,614,162 alleles (0.000062%); highest among the groups gnomAD compares: Non-Finnish European, 0.000085%; no homozygotes.

Submission:

Ambry Genetics
Classification: Uncertain significance for Cardiovascular phenotype. Last evaluated: 2012-12-21. Review status: criteria provided, single submitter. Criteria: Ambry Autosomal Dominant and X-Linked criteria (10/2015). Collection method: clinical testing. Allele origin: germline. Observed: 1 variant allele.
Comment: There is insufficient or conflicting evidence for classification of this alteration.